The following is an entry in ClinVar:

NM_014370.4(SRPK3):c.1564G>A (p.Glu522Lys)

Gene: SRPK3 (SRSF protein kinase 3; plus strand). Cytogenetic location: Xq28.
Variant type: single nucleotide variant.
Coding change: c.1564G>A on transcript NM_014370.4 (MANE Select); coding-DNA position 1564, G replaced by A.
Protein change: p.Glu522Lys; replaces glutamic acid 522 with lysine.
Molecular consequence: missense variant.
Genome position (GRCh38, 1-based): chrX:153,785,380, G>A. VCF-style: chrX-153785380-G-A. GRCh37 (hg19) VCF-style: chrX-153050835-G-A.
Other names: c.1561G>A, p.Glu521Lys (NM_001170760.2); c.1462G>A, p.Glu488Lys (NM_001170761.2); short protein forms E488K, E521K, E522K.
Identifiers: ClinVar variation 4814108 (VCV004814108.1).
Genomic context (GRCh38, chrX:153,785,380, plus strand): 5'-GCTGGCCTGCCCGCAGGAGAGCTGCGGCACATCCACAATCTCAAGCACTGGGGCCTGTAC[G>A]AGGTACTCATGGAAAAGTACGAGTGGCCCCTAGAGCAGGCCACACAGTTCAGCGCCTTTC-3'
Protein context (NP_055185.2, residues 512-532): IHNLKHWGLY[Glu522Lys]VLMEKYEWPL

ClinVar aggregate classification (germline): Uncertain significance (1 of 4 stars; one submission).

Conditions:
Intellectual developmental disorder, X-linked 114. Identifiers: MedGen C5974891, MONDO:0975828, OMIM 301134.

gnomAD v4.1: 9 of 1,209,476 alleles (0.00074%); highest among the groups gnomAD compares: Admixed American, 0.0087%; no homozygotes.

Submission:

OLLIN Analises Genomicas, OLLIN
Classification: Uncertain significance for Intellectual developmental disorder, X-linked 114. Last evaluated: 2026-02-13. Review status: criteria provided, single submitter. Criteria: ACMG Guidelines 2015 PMID 25741868. Collection method: clinical testing. Allele origin: germline. Observed: 1 variant allele.
Comment: PM2_P, BP4